The following is an entry in ClinVar:

ClinVar aggregate classification (germline): Pathogenic (1 of 4 stars; one submission).

Conditions:
Ataxia-telangiectasia syndrome (AT). Also called: Ataxia telangiectasia (A-T); ATAXIA-TELANGIECTASIA, COMPLEMENTATION GROUP A; ATAXIA-TELANGIECTASIA, FRESNO VARIANT; Ataxia-telangiectasia; Ataxia-telangiectasia, complementation group E; LOUIS-BAR SYNDROME. Identifiers: Orphanet 100, MedGen C0004135, MONDO:0008840, OMIM 208900.

Submission:

Labcorp Genetics (formerly Invitae), Labcorp
Classification: Pathogenic for Ataxia-telangiectasia syndrome. Last evaluated: 2020-09-23. Review status: criteria provided, single submitter. Criteria: Invitae Variant Classification Sherloc (09022015). Collection method: clinical testing. Allele origin: germline.
Comment: For these reasons, this variant has been classified as Pathogenic. Loss-of-function variants in ATM are known to be pathogenic (PMID: 23807571, 25614872). This variant has not been reported in the literature in individuals with ATM-related conditions. This variant is not present in population databases (ExAC no frequency). This sequence change creates a premature translational stop signal (p.Lys2460Asnfs*16) in the ATM gene. It is expected to result in an absent or disrupted protein product.

Literature cited by the submitters: PubMed 23807571; PubMed 25614872.

NM_000051.4(ATM):c.7380del (p.Lys2460fs)

Genes: ATM (ATM serine/threonine kinase; plus strand), C11orf65 (chromosome 11 open reading frame 65; minus strand). Cytogenetic location: 11q22.3.
Variant type: Deletion.
Coding change: c.7380del on transcript NM_000051.4 (MANE Select); coding-DNA position 7380, one base deleted (A; older notation c.7380delA).
Protein change: p.Lys2460fs; shifts the reading frame from lysine 2460.
Molecular consequence: frameshift variant. On other transcripts: intron variant (2).
Genome position (GRCh38, 1-based): chr11:108,330,286, A deleted; the last of 3 consecutive A bases (chr11:108,330,284-108,330,286); deleting any one gives the same sequence. VCF-style (leftmost placement, unchanged base first): chr11-108330283-TA-T. GRCh37 (hg19) VCF-style: chr11-108201010-TA-T.
Other names: c.7380del, p.Lys2460fs (NM_001351834.2); c.641-21213del (NM_001330368.2); c.*38+4936del (NM_001351110.2); short protein forms K2460fs.
Identifiers: ClinVar variation 1070121 (VCV001070121.8), dbSNP rs2136456432, ClinGen allele CA2499220708.
Genomic context (GRCh38, chr11:108,330,283, plus strand): 5'-AAAGGTTCAGCGAGAGCTGGAGTTGGATGAATTAGCCCTGCGTGCACTGAAAGAGGATCG[TA>T]AACGCTTCTTATGTAAAGCAGTTGAAAATTATATCAACTGCTTATTAAGTGGAGAAGAAC-3'